The following is an entry in ClinVar:

NM_001330677.2(TBX15):c.778C>G (p.Pro260Ala)

Gene: TBX15 (T-box transcription factor 15; minus strand). Cytogenetic location: 1p12.
Variant type: single nucleotide variant.
Coding change: c.778C>G on transcript NM_001330677.2 (MANE Select); coding-DNA position 778, C replaced by G.
Protein change: p.Pro260Ala; replaces proline 260 with alanine.
Molecular consequence: missense variant.
Genome position (GRCh38, 1-based): chr1:118,923,519, G>C on the plus strand (C>G on the coding strand, the complement: TBX15 is on the minus strand). VCF-style: chr1-118923519-G-C. GRCh37 (hg19) VCF-style: chr1-119466142-G-C.
Other names: c.460C>G, p.Pro154Ala (NM_152380.3); short protein forms P154A, P260A.
Identifiers: ClinVar variation 2598488 (VCV002598488.3), dbSNP rs374500071, ClinGen allele CA1035001.
Genomic context (GRCh38, chr1:118,923,519, plus strand): 5'-CTGTGGTGAACACAGTCTCAGGAAAGTTGAACGTTTTCACCCCATCCCCAACAGGAACAG[G>C]CTTAGTGGGTGAAAGGTCACTGCTGAAGTCTTTGCGAATCACATGAACTCGAGGCTGGTA-3'
Protein context (NP_001317606.1, residues 250-270): DFSSDLSPTK[Pro260Ala]VPVGDGVKTF

ClinVar aggregate classification (germline): Uncertain significance. Review status: criteria provided, multiple submitters, no conflicts (2 of 4 stars). 2 submissions from 2 submitters: Uncertain significance (2). Last evaluated 2025-08-01.

Conditions:
Inborn genetic diseases. Identifiers: MedGen C0950123, MeSH D030342.

Allele frequency attached by ClinVar (database versions not stated): ESP Exome Variant Server 0.00008.
gnomAD v4.1: 23 of 1,613,898 alleles (0.0014%); highest among the groups gnomAD compares: East Asian, 0.02%; no homozygotes.

Submissions (2):

Labcorp Genetics (formerly Invitae), Labcorp
Classification: Uncertain significance. Last evaluated: 2025-08-01. Review status: criteria provided, single submitter. Criteria: Invitae Variant Classification Sherloc (09022015). Collection method: clinical testing. Allele origin: germline.
Comment: This sequence change replaces proline, which is neutral and non-polar, with alanine, which is neutral and non-polar, at codon 154 of the TBX15 protein (p.Pro154Ala). This variant is present in population databases (rs374500071, gnomAD 0.06%). This variant has not been reported in the literature in individuals affected with TBX15-related conditions. ClinVar contains an entry for this variant (Variation ID: 2598488). Invitae Evidence Modeling of protein sequence and biophysical properties (such as structural, functional, and spatial information, amino acid conservation, physicochemical variation, residue mobility, and thermodynamic stability) indicates that this missense variant is not expected to disrupt TBX15 protein function with a negative predictive value of 80%. In summary, the available evidence is currently insufficient to determine the role of this variant in disease. Therefore, it has been classified as a Variant of Uncertain Significance.

Ambry Genetics
Classification: Uncertain significance for Inborn genetic diseases. Last evaluated: 2023-08-22. Review status: criteria provided, single submitter. Criteria: Ambry Variant Classification Scheme 2023. Collection method: clinical testing. Allele origin: germline.